The following is an entry in ClinVar:

NM_015506.3(MMACHC):c.420G>A (p.Trp140Ter)

Gene: MMACHC (metabolism of cobalamin associated C; plus strand). Cytogenetic location: 1p34.1.
Variant type: single nucleotide variant.
Coding change: c.420G>A on transcript NM_015506.3 (MANE Select); coding-DNA position 420, G replaced by A.
Protein change: p.Trp140Ter; replaces tryptophan 140 with a stop codon.
Molecular consequence: nonsense.
Genome position (GRCh38, 1-based): chr1:45,508,355, G>A. VCF-style: chr1-45508355-G-A. GRCh37 (hg19) VCF-style: chr1-45974027-G-A.
Other names: c.249G>A, p.Trp83Ter (NM_001330540.2); short protein forms W140*, W83*.
Identifiers: ClinVar variation 203827 (VCV000203827.14), dbSNP rs796051996, ClinGen allele CA275943.

ClinVar aggregate classification (germline): Pathogenic. Review status: criteria provided, multiple submitters, no conflicts (2 of 4 stars). 4 submissions from 4 submitters: Pathogenic (3). 1 of the submissions does not count toward it. Last evaluated 2025-03-12.

Conditions:
Cobalamin C disease. Also called: Methylmalonic aciduria and homocystinuria, Vitamin B12-responsive; Vitamin B12 metabolic defect with combined deficiency of methylmalonyl-CoA mutase and homocysteine:methyltetrahydrofolate methyltransferase; Methylmalonic aciduria with homocystinuria cblC type; Cobalamin-C methylmalonic acidemia and homocystinuria; Methylmalonic acidemia and homocystinuria cblC type; methylmalonic aciduria and homocystinuria type cblC. Identifiers: Orphanet 26, Orphanet 79282, MedGen C1848561, MONDO:0010184, OMIM 277400.

Allele frequency attached by ClinVar (database versions not stated): gnomAD exomes below 0.00001 and 0.00001; TOPMed below 0.00001; gnomAD 0.00001.
gnomAD v4.1: 12 of 1,614,070 alleles (0.00074%); highest among the groups gnomAD compares: African/African-American, 0.0013%; no homozygotes.

Submissions (4):

Labcorp Genetics (formerly Invitae), Labcorp
Classification: Pathogenic for Cobalamin C disease. Last evaluated: 2025-03-12. Review status: criteria provided, single submitter. Criteria: Invitae Variant Classification Sherloc (09022015). Collection method: clinical testing. Allele origin: germline.
Comment: This sequence change creates a premature translational stop signal (p.Trp140*) in the MMACHC gene. While this is not anticipated to result in nonsense mediated decay, it is expected to disrupt the last 143 amino acid(s) of the MMACHC protein. This variant is present in population databases (rs796051996, gnomAD 0.007%). This premature translational stop signal has been observed in individuals with methylmalonic aciduria and homocystinuria (PMID: 16311595). ClinVar contains an entry for this variant (Variation ID: 203827). This variant disrupts a region of the MMACHC protein in which other variant(s) (p.Trp203*) have been determined to be pathogenic (PMID: 16311595, 23954310, 25772322). This suggests that this is a clinically significant region of the protein, and that variants that disrupt it are likely to be disease-causing. For these reasons, this variant has been classified as Pathogenic.

Genome-Nilou Lab
Classification: Pathogenic for Cobalamin C disease. Last evaluated: 2023-04-11. Review status: criteria provided, single submitter. Criteria: ACMG Guidelines, 2015. Collection method: clinical testing. Allele origin: germline. Affected: no.

Women's Health and Genetics/Laboratory Corporation of America, LabCorp
Classification: Pathogenic for Methylmalonic acidemia with homocystinuria. Last evaluated: 2020-06-28. Review status: criteria provided, single submitter. Criteria: LabCorp Variant Classification Summary - May 2015. Collection method: clinical testing. Allele origin: germline.
Comment: Variant summary: MMACHC c.420G>A (p.Trp140X) results in a premature termination codon, predicted to cause a truncation of the encoded protein or absence of the protein due to nonsense mediated decay, which are commonly known mechanisms for disease. Truncations downstream of this position have been classified as pathogenic by our laboratory. The variant allele was found at a frequency of 4e-06 in 249328 control chromosomes. c.420G>A has been reported in the literature in individuals affected with Cobalamin C Disease (Methylmalonic Aciduria With Homocystinuria) and subsequently cited by others (example Lerner-Ellis_2006, Lerner-Ellis_2009, Froese_2010). To our knowledge, no experimental evidence demonstrating an impact on protein function has been reported. One clinical diagnostic laboratory has submitted clinical-significance assessments for this variant to ClinVar after 2014 without evidence for independent evaluation and classified the variant as pathogenic. Based on the evidence outlined above, the variant was classified as pathogenic.

Inserm U 954, Faculté de Médecine de Nancy
No classification provided. Review status: no classification provided. Collection method: not provided. Allele origin: unknown. Not counted in ClinVar's aggregate classification.

Literature cited by the submitters: PubMed 16311595 (cited by Labcorp Genetics (formerly Invitae), Labcorp and Women's Health and Genetics/Laboratory Corporation of America, LabCorp); PubMed 23954310 (cited by Labcorp Genetics (formerly Invitae), Labcorp); PubMed 25772322 (cited by Labcorp Genetics (formerly Invitae), Labcorp); PubMed 19370762 (cited by Women's Health and Genetics/Laboratory Corporation of America, LabCorp); PubMed 21114891 (cited by Women's Health and Genetics/Laboratory Corporation of America, LabCorp).